The following is an entry in ClinVar:

NM_000264.5(PTCH1):c.2265C>G (p.Phe755Leu)

Genes: PTCH1 (patched 1; minus strand), LOC100507346 (uncharacterized LOC100507346; plus strand). Cytogenetic location: 9q22.32.
Variant type: single nucleotide variant.
Coding change: c.2265C>G on transcript NM_000264.5 (MANE Select); coding-DNA position 2265, C replaced by G.
Protein change: p.Phe755Leu; replaces phenylalanine 755 with leucine.
Molecular consequence: missense variant. On other transcripts: non-coding transcript variant (1).
Genome position (GRCh38, 1-based): chr9:95,467,411, G>C on the plus strand (C>G on the coding strand, the complement: PTCH1 is on the minus strand). VCF-style: chr9-95467411-G-C. GRCh37 (hg19) VCF-style: chr9-98229693-G-C.
Other names: c.2067C>G, p.Phe689Leu (NM_001083602.3); c.2262C>G, p.Phe754Leu (NM_001083603.3); c.1812C>G, p.Phe604Leu (NM_001083604.3, NM_001083605.3, NM_001083606.3 and 1 more transcripts); c.2109C>G, p.Phe703Leu (NM_001354918.2); short protein forms F703L, F755L, F689L, F604L, F754L.
Identifiers: ClinVar variation 4675652 (VCV004675652.1).

ClinVar aggregate classification (germline): Uncertain significance (1 of 4 stars; one submission).

Conditions:
Hereditary cancer-predisposing syndrome. Also called: Neoplastic Syndromes, Hereditary; Tumor predisposition; Hereditary Cancer Syndrome; Hereditary neoplastic syndrome. Identifiers: Orphanet 140162, MedGen C0027672, MeSH D009386, MONDO:0015356.

Submission:

Ambry Genetics
Classification: Uncertain significance for Hereditary cancer-predisposing syndrome. Last evaluated: 2025-10-16. Review status: criteria provided, single submitter. Criteria: Ambry Variant Classification Scheme 2023. Collection method: clinical testing. Allele origin: germline.
Comment: The p.F755L variant (also known as c.2265C>G), located in coding exon 15 of the PTCH1 gene, results from a C to G substitution at nucleotide position 2265. The phenylalanine at codon 755 is replaced by leucine, an amino acid with highly similar properties. This amino acid position is conserved. In addition, this alteration is predicted to be tolerated by in silico analysis. Based on the available evidence, the clinical significance of this variant remains unclear.